The following is an entry in ClinVar:

NM_033118.4(MYLK2):c.1354G>C (p.Glu452Gln)

Gene: MYLK2 (myosin light chain kinase 2; plus strand). Cytogenetic location: 20q11.21.
Variant type: single nucleotide variant.
Coding change: c.1354G>C on transcript NM_033118.4 (MANE Select); coding-DNA position 1354, G replaced by C.
Protein change: p.Glu452Gln; replaces glutamic acid 452 with glutamine.
Molecular consequence: missense variant.
Genome position (GRCh38, 1-based): chr20:31,831,071, G>C. VCF-style: chr20-31831071-G-C. GRCh37 (hg19) VCF-style: chr20-30418874-G-C.
Other names: short protein forms E452Q.
Identifiers: ClinVar variation 850776 (VCV000850776.9), dbSNP rs2062304072, ClinGen allele CA408527693.

ClinVar aggregate classification (germline): Uncertain significance (1 of 4 stars; one submission).

Conditions:
Hypertrophic cardiomyopathy 1 (CMH1). Also called: Familial hypertrophic cardiomyopathy 1; MYH7-Related Familial Hypertrophic Cardiomyopathy. Identifiers: MedGen C3495498, MONDO:0008647, OMIM 192600.

Allele frequency attached by ClinVar (database versions not stated): gnomAD exomes below 0.00001.
gnomAD v4.1: 1 of 1,614,170 alleles (0.000062%); highest among the groups gnomAD compares: Non-Finnish European, 0.000085%; no homozygotes.

Submission:

Labcorp Genetics (formerly Invitae), Labcorp
Classification: Uncertain significance for Hypertrophic cardiomyopathy 1. Last evaluated: 2022-11-22. Review status: criteria provided, single submitter. Criteria: Invitae Variant Classification Sherloc (09022015). Collection method: clinical testing. Allele origin: germline.
Comment: ClinVar contains an entry for this variant (Variation ID: 850776). This variant has not been reported in the literature in individuals affected with MYLK2-related conditions. This variant is not present in population databases (gnomAD no frequency). This sequence change replaces glutamic acid, which is acidic and polar, with glutamine, which is neutral and polar, at codon 452 of the MYLK2 protein (p.Glu452Gln). Advanced modeling of protein sequence and biophysical properties (such as structural, functional, and spatial information, amino acid conservation, physicochemical variation, residue mobility, and thermodynamic stability) performed at Invitae indicates that this missense variant is expected to disrupt MYLK2 protein function. In summary, the available evidence is currently insufficient to determine the role of this variant in disease. Therefore, it has been classified as a Variant of Uncertain Significance. Algorithms developed to predict the effect of sequence changes on RNA splicing suggest that this variant may create or strengthen a splice site.